The following is an entry in ClinVar:

ClinVar aggregate classification (germline): Uncertain significance (1 of 4 stars; one submission).

Submission:

Labcorp Genetics (formerly Invitae), Labcorp
Classification: Uncertain significance. Last evaluated: 2022-09-07. Review status: criteria provided, single submitter. Criteria: Invitae Variant Classification Sherloc (09022015). Collection method: clinical testing. Allele origin: germline.
Comment: In summary, the available evidence is currently insufficient to determine the role of this variant in disease. Therefore, it has been classified as a Variant of Uncertain Significance. Algorithms developed to predict the effect of missense changes on protein structure and function (SIFT, PolyPhen-2, Align-GVGD) all suggest that this variant is likely to be tolerated. ClinVar contains an entry for this variant (Variation ID: 1420011). This variant has not been reported in the literature in individuals affected with USH2A-related conditions. This variant is not present in population databases (gnomAD no frequency). This sequence change replaces serine, which is neutral and polar, with tyrosine, which is neutral and polar, at codon 343 of the USH2A protein (p.Ser343Tyr).

NM_206933.4(USH2A):c.1028C>A (p.Ser343Tyr)

Gene: USH2A (usherin; minus strand). Cytogenetic location: 1q41.
Variant type: single nucleotide variant.
Coding change: c.1028C>A on transcript NM_206933.4 (MANE Select); coding-DNA position 1028, C replaced by A.
Protein change: p.Ser343Tyr; replaces serine 343 with tyrosine.
Molecular consequence: missense variant.
Genome position (GRCh38, 1-based): chr1:216,325,420, G>T on the plus strand (C>A on the coding strand, the complement: USH2A is on the minus strand). VCF-style: chr1-216325420-G-T. GRCh37 (hg19) VCF-style: chr1-216498762-G-T.
Other names: c.1028C>A, p.Ser343Tyr (NM_007123.6); short protein forms S343Y.
Identifiers: ClinVar variation 1420011 (VCV001420011.6), dbSNP rs2102655905, ClinGen allele CA344912411.
Genomic context (GRCh38, chr1:216,325,420, plus strand): 5'-GTAATGTTTGTAAACACATTTGAAACCCATGAAGTACCAACATCATTATCATTGACAAAA[G>T]AGAGAGGATGGGCTTCAGGATTCAACCGTGACACTCTATTATCAGCTGTGTCTCCTGCAT-3'
Protein context (NP_996816.3, residues 333-353): SRLNPEAHPL[Ser343Tyr]FVNDNDVGTS